The following is an entry in ClinVar:

NM_020822.3(KCNT1):c.1607C>T (p.Thr536Met)

Gene: KCNT1 (potassium sodium-activated channel subfamily T member 1; plus strand). Cytogenetic location: 9q34.3.
Variant type: single nucleotide variant.
Coding change: c.1607C>T on transcript NM_020822.3 (MANE Select); coding-DNA position 1607, C replaced by T.
Protein change: p.Thr536Met; replaces threonine 536 with methionine.
Molecular consequence: missense variant.
Genome position (GRCh38, 1-based): chr9:135,770,043, C>T. VCF-style: chr9-135770043-C-T. GRCh37 (hg19) VCF-style: chr9-138661889-C-T.
Other names: c.1472C>T, p.Thr491Met (NM_001272003.2); short protein forms T491M, T536M.
Identifiers: ClinVar variation 1215380 (VCV001215380.3), dbSNP rs1430492627, ClinGen allele CA375506034.
Genomic context (GRCh38, chr9:135,770,043, plus strand): 5'-TGCTGGCGCTGAACTGCATCTGCCCGGCGACCTCCACCCTCATCACCCTGCTGGTGCACA[C>T]GTCCCGCGGCCAGTGAGTGCCCCGTGCCCCGGGGGACCGACCTCCATGGCGGGGCCGGCG-3'
Protein context (NP_065873.2, residues 526-546): TSTLITLLVH[Thr536Met]SRGQEGQESP

ClinVar aggregate classification (germline): Uncertain significance (1 of 4 stars; one submission).

Allele frequency attached by ClinVar (database versions not stated): gnomAD exomes 0.00001.
gnomAD v4.1: 10 of 1,550,948 alleles (0.00064%); highest among the groups gnomAD compares: Non-Finnish European, 0.00078%; no homozygotes.

Submission:

GeneDx
Classification: Uncertain significance. Last evaluated: 2019-11-15. Review status: criteria provided, single submitter. Criteria: GeneDx Variant Classification Process June 2021. Collection method: clinical testing. Allele origin: germline. Affected: yes.
Comment: In silico analysis, which includes protein predictors and evolutionary conservation, supports a deleterious effect; Has not been previously published as pathogenic or benign to our knowledge